The following is an entry in ClinVar:

ClinVar aggregate classification (germline): Uncertain significance (1 of 4 stars; one submission).

Allele frequency attached by ClinVar (database versions not stated): TOPMed below 0.00001; gnomAD 0.00001.
gnomAD v4.1: 1 of 1,614,068 alleles (0.000062%); highest among the groups gnomAD compares: Non-Finnish European, 0.000085%; no homozygotes.

Submission:

Labcorp Genetics (formerly Invitae), Labcorp
Classification: Uncertain significance. Last evaluated: 2023-04-18. Review status: criteria provided, single submitter. Criteria: Invitae Variant Classification Sherloc (09022015). Collection method: clinical testing. Allele origin: germline.
Comment: In summary, the available evidence is currently insufficient to determine the role of this variant in disease. Therefore, it has been classified as a Variant of Uncertain Significance. Advanced modeling of protein sequence and biophysical properties (such as structural, functional, and spatial information, amino acid conservation, physicochemical variation, residue mobility, and thermodynamic stability) has been performed at Invitae for this missense variant, however the output from this modeling did not meet the statistical confidence thresholds required to predict the impact of this variant on TMC1 protein function. This variant has not been reported in the literature in individuals affected with TMC1-related conditions. This variant is not present in population databases (gnomAD no frequency). This sequence change replaces methionine, which is neutral and non-polar, with threonine, which is neutral and polar, at codon 649 of the TMC1 protein (p.Met649Thr).

NM_138691.3(TMC1):c.1946T>C (p.Met649Thr)

Gene: TMC1 (transmembrane channel like 1; plus strand). Cytogenetic location: 9q21.13.
Variant type: single nucleotide variant.
Coding change: c.1946T>C on transcript NM_138691.3 (MANE Select); coding-DNA position 1946, T replaced by C.
Protein change: p.Met649Thr; replaces methionine 649 with threonine.
Molecular consequence: missense variant.
Genome position (GRCh38, 1-based): chr9:72,821,024, T>C. VCF-style: chr9-72821024-T-C. GRCh37 (hg19) VCF-style: chr9-75435940-T-C.
Other names: short protein forms M649T.
Identifiers: ClinVar variation 2857414 (VCV002857414.3), dbSNP rs1828862280, ClinGen allele CA373670219.